The following is an entry in ClinVar:

ClinVar aggregate classification (germline): Likely benign (1 of 4 stars; one submission).

Allele frequency attached by ClinVar (database versions not stated): gnomAD 0.00002; gnomAD exomes 0.00002; ExAC 0.00008.

Submission:

CeGaT Center for Human Genetics Tuebingen
Classification: Likely benign. Last evaluated: 2022-11-01. Review status: criteria provided, single submitter. Criteria: CeGaT Center For Human Genetics Tuebingen Variant Classification Criteria Version 2. Collection method: clinical testing. Allele origin: germline. Affected: yes. Observed: 1 variant allele.
Comment: ICOSLG: BP4, BP7

NM_015259.6(ICOSLG):c.898+314C>T

Gene: ICOSLG (inducible T cell costimulator ligand; minus strand). Cytogenetic location: 21q22.3.
Variant type: single nucleotide variant.
Coding change: c.898+314C>T on transcript NM_015259.6 (MANE Select); 314 bases into the intron after coding-DNA position 898, C replaced by T.
Molecular consequence: intron variant.
Genome position (GRCh38, 1-based): chr21:44,229,740, G>A on the plus strand (C>T on the coding strand, the complement: ICOSLG is on the minus strand). VCF-style: chr21-44229740-G-A. GRCh37 (hg19) VCF-style: chr21-45649623-G-A.
Other names: c.547+314C>T (NM_001283051.2); c.643+314C>T (NM_001283052.2); c.898+314C>T (NM_001283050.2); c.899-194C>T (NM_001395918.1); c.817+314C>T (NM_001365759.2).
Identifiers: ClinVar variation 2652736 (VCV002652736.24), dbSNP rs758914368, ClinGen allele CA10051142.
Genomic context (GRCh38, chr21:44,229,740, plus strand): 5'-CGCCGGTGCCTGGACCCACTCCGGACACCCCATGGGGGCTGGGCGCCGGTGCCTGGACCC[G>A]CCCTGGACACCCTGGTCGGGGCTGGGCACTGGGGAGCGCGGGGGTCTAGCACTCGTCTCT-3'